The following is an entry in ClinVar:

NM_000535.7(PMS2):c.1495A>C (p.Thr499Pro)

Gene: PMS2 (PMS1 homolog 2, mismatch repair system component; minus strand). Cytogenetic location: 7p22.1.
Variant type: single nucleotide variant.
Coding change: c.1495A>C on transcript NM_000535.7 (MANE Select); coding-DNA position 1495, A replaced by C.
Protein change: p.Thr499Pro; replaces threonine 499 with proline.
Molecular consequence: missense variant. On other transcripts: non-coding transcript variant (1), intron variant (1).
Genome position (GRCh38, 1-based): chr7:5,987,270, T>G on the plus strand (A>C on the coding strand, the complement: PMS2 is on the minus strand). VCF-style: chr7-5987270-T-G. GRCh37 (hg19) VCF-style: chr7-6026901-T-G.
Other names: c.1186A>C, p.Thr396Pro (NM_001322015.2, NM_001406875.1, NM_001406877.1 and 5 more transcripts); c.1681A>C, p.Thr561Pro (NM_001406866.1); c.1519A>C, p.Thr507Pro (NM_001406868.1); c.1387A>C, p.Thr463Pro (NM_001406869.1); c.1339A>C, p.Thr447Pro (NM_001406870.1, NM_001322006.2); c.1495A>C, p.Thr499Pro (NM_001406871.1, NM_001406872.1, NM_001322014.2); c.1297A>C, p.Thr433Pro (NM_001406873.1); c.1327A>C, p.Thr443Pro (NM_001406874.1); and 13 more; short protein forms T344P, T387P, T443P, T463P, T242P, T312P, T328P, T377P.
Identifiers: ClinVar variation 3935155 (VCV003935155.1).

ClinVar aggregate classification (germline): Uncertain significance (1 of 4 stars; one submission).

Conditions:
Hereditary cancer-predisposing syndrome. Also called: Tumor predisposition; Hereditary neoplastic syndrome; Hereditary Cancer Syndrome; Neoplastic Syndromes, Hereditary. Identifiers: Orphanet 140162, MedGen C0027672, MeSH D009386, MONDO:0015356.

Submission:

Ambry Genetics
Classification: Uncertain significance for Hereditary cancer-predisposing syndrome. Last evaluated: 2025-06-01. Review status: criteria provided, single submitter. Criteria: Ambry Variant Classification Scheme 2023. Collection method: clinical testing. Allele origin: germline.
Comment: The p.T499P variant (also known as c.1495A>C), located in coding exon 11 of the PMS2 gene, results from an A to C substitution at nucleotide position 1495. The threonine at codon 499 is replaced by proline, an amino acid with highly similar properties. This amino acid position is conserved. In addition, this alteration is predicted to be tolerated by in silico analysis. Based on the available evidence, the clinical significance of this variant remains unclear.